The following is an entry in ClinVar:

NM_001271938.2(MEGF8):c.5752A>G (p.Met1918Val)

Gene: MEGF8 (multiple EGF like domains 8; plus strand). Cytogenetic location: 19q13.2.
Variant type: single nucleotide variant.
Coding change: c.5752A>G on transcript NM_001271938.2 (MANE Select); coding-DNA position 5752, A replaced by G.
Protein change: p.Met1918Val; replaces methionine 1918 with valine.
Molecular consequence: missense variant.
Genome position (GRCh38, 1-based): chr19:42,362,121, A>G. VCF-style: chr19-42362121-A-G. GRCh37 (hg19) VCF-style: chr19-42866273-A-G.
Other names: c.5551A>G, p.Met1851Val (NM_001410.3); short protein forms M1918V, M1851V.
Identifiers: ClinVar variation 1523840 (VCV001523840.6), dbSNP rs768713408, ClinGen allele CA9475681.

ClinVar aggregate classification (germline): Uncertain significance (1 of 4 stars; one submission).

Conditions:
MEGF8-related Carpenter syndrome. Also called: Carpenter syndrome 2. Identifiers: Orphanet 65759, MedGen C3554247, MONDO:0013998, OMIM 614976.

Allele frequency attached by ClinVar (database versions not stated): ExAC 0.00002; gnomAD exomes 0.00002.

Submission:

Labcorp Genetics (formerly Invitae), Labcorp
Classification: Uncertain significance for MEGF8-related Carpenter syndrome. Last evaluated: 2023-10-03. Review status: criteria provided, single submitter. Criteria: Invitae Variant Classification Sherloc (09022015). Collection method: clinical testing. Allele origin: germline.
Comment: This sequence change replaces methionine, which is neutral and non-polar, with valine, which is neutral and non-polar, at codon 1851 of the MEGF8 protein (p.Met1851Val). This variant is present in population databases (rs768713408, gnomAD 0.01%). This variant has not been reported in the literature in individuals affected with MEGF8-related conditions. ClinVar contains an entry for this variant (Variation ID: 1523840). An algorithm developed to predict the effect of missense changes on protein structure and function (PolyPhen-2) suggests that this variant¬†is likely to be tolerated. Algorithms developed to predict the effect of sequence changes on RNA splicing suggest that this variant may create or strengthen a splice site. In summary, the available evidence is currently insufficient to determine the role of this variant in disease. Therefore, it has been classified as a Variant of Uncertain Significance.